The following is an entry in ClinVar:

NM_000719.7(CACNA1C):c.1412C>T (p.Thr471Ile)

Gene: CACNA1C (calcium voltage-gated channel subunit alpha1 C; plus strand). Cytogenetic location: 12p13.33.
Variant type: single nucleotide variant.
Coding change: c.1412C>T on transcript NM_000719.7 (MANE Select); coding-DNA position 1412, C replaced by T.
Protein change: p.Thr471Ile; replaces threonine 471 with isoleucine.
Molecular consequence: missense variant.
Genome position (GRCh38, 1-based): chr12:2,549,964, C>T. VCF-style: chr12-2549964-C-T. GRCh37 (hg19) VCF-style: chr12-2659130-C-T.
Other names: c.1412C>T, p.Thr471Ile (NM_001129827.2, NM_001129829.2, NM_001129830.3 and 18 more transcripts); c.1403C>T, p.Thr468Ile (NM_001129844.2); short protein forms T468I, T471I.
Identifiers: ClinVar variation 3262719 (VCV003262719.1).

ClinVar aggregate classification (germline): Uncertain significance (1 of 4 stars; one submission).

Conditions:
Cardiovascular phenotype. Identifiers: MedGen CN230736.

Submission:

Ambry Genetics
Classification: Uncertain significance for Cardiovascular phenotype. Last evaluated: 2024-05-01. Review status: criteria provided, single submitter. Criteria: Ambry Variant Classification Scheme 2023. Collection method: clinical testing. Allele origin: germline.
Comment: The p.T471I variant (also known as c.1412C>T), located in coding exon 10 of the CACNA1C gene, results from a C to T substitution at nucleotide position 1412. The threonine at codon 471 is replaced by isoleucine, an amino acid with similar properties. This amino acid position is well conserved in available vertebrate species. In addition, the in silico prediction for this alteration is inconclusive. Based on the available evidence, the clinical significance of this variant remains unclear.